The following is an entry in ClinVar:

ClinVar aggregate classification (germline): Uncertain significance (1 of 4 stars; one submission).

Conditions:
Hereditary cancer-predisposing syndrome. Also called: Tumor predisposition; Hereditary neoplastic syndrome; Hereditary Cancer Syndrome; Neoplastic Syndromes, Hereditary. Identifiers: Orphanet 140162, MedGen C0027672, MeSH D009386, MONDO:0015356.

Submission:

Ambry Genetics
Classification: Uncertain significance for Hereditary cancer-predisposing syndrome. Last evaluated: 2025-04-23. Review status: criteria provided, single submitter. Criteria: Ambry Variant Classification Scheme 2023. Collection method: clinical testing. Allele origin: germline.
Comment: The p.G248S variant (also known as c.742G>A), located in coding exon 8 of the RB1 gene, results from a G to A substitution at nucleotide position 742. The glycine at codon 248 is replaced by serine, an amino acid with similar properties. This amino acid position is well conserved in available vertebrate species. In addition, this alteration is predicted to be tolerated by in silico analysis. This nucleotide position is well conserved in available vertebrate species. In silico splice site analysis predicts that this alteration will not have any significant effect on splicing. RNA studies have demonstrated that this alteration results in a splice defect; the clinical impact of this abnormal splicing is unknown at this time (Ambry internal data). Based on the available evidence, the clinical significance of this variant remains unclear.

NM_000321.3(RB1):c.742G>A (p.Gly248Ser)

Gene: RB1 (RB transcriptional corepressor 1; plus strand). Cytogenetic location: 13q14.2.
Variant type: single nucleotide variant.
Coding change: c.742G>A on transcript NM_000321.3 (MANE Select); coding-DNA position 742, G replaced by A.
Protein change: p.Gly248Ser; replaces glycine 248 with serine.
Molecular consequence: missense variant.
Genome position (GRCh38, 1-based): chr13:48,362,838, G>A. VCF-style: chr13-48362838-G-A. GRCh37 (hg19) VCF-style: chr13-48936974-G-A.
Other names: c.742G>A, p.Gly248Ser (NM_001407165.1, NM_001407166.1); short protein forms G248S.
Identifiers: ClinVar variation 3943342 (VCV003943342.1).